The following is an entry in ClinVar:

NC_000005.9:g.(?_94861082)_(94861397_?)del

Gene: SKIC3 (SKI3 subunit of superkiller complex; minus strand). Cytogenetic location: 5q15.
Variant type: Deletion.
Identifiers: ClinVar variation 3246513 (VCV003246513.1).

ClinVar aggregate classification (germline): Pathogenic (1 of 4 stars; one submission).

Submission:

Labcorp Genetics (formerly Invitae), Labcorp
Classification: Pathogenic. Last evaluated: 2023-02-05. Review status: criteria provided, single submitter. Criteria: Invitae Variant Classification Sherloc (09022015). Collection method: clinical testing. Allele origin: unknown.
Comment: This variant is a gross deletion of the genomic region encompassing exon(s) 14-15 of the TTC37 gene. This deletion is out-of-frame, and is expected to create a premature termination codon and result in an absent or disrupted protein product. Loss-of-function variants in TTC37 are known to be pathogenic (PMID: 20176027, 21120949). This variant has not been reported in the literature in individuals affected with TTC37-related conditions. For these reasons, this variant has been classified as Pathogenic.

Literature cited by the submitters: PubMed 20176027; PubMed 21120949.